The following is an entry in ClinVar:

NM_144772.3(NAXE):c.804G>A (p.Glu268=)

Gene: NAXE (NAD(P)HX epimerase; plus strand). Cytogenetic location: 1q22.
Variant type: single nucleotide variant.
Coding change: c.804G>A on transcript NM_144772.3 (MANE Select); coding-DNA position 804, G replaced by A.
Protein change: p.Glu268=; no amino-acid change (glutamic acid 268 retained).
Molecular consequence: synonymous variant.
Genome position (GRCh38, 1-based): chr1:156,594,021, G>A. VCF-style: chr1-156594021-G-A. GRCh37 (hg19) VCF-style: chr1-156563813-G-A.
Other names: c.804G>A (NM_144772.2).
Identifiers: ClinVar variation 1167831 (VCV001167831.16), dbSNP rs6668178, ClinGen allele CA1162922.
Genomic context (GRCh38, chr1:156,594,021, plus strand): 5'-AACCCAGTTTACCGGTCGCTACCATTACCTGGGGGGTCGTTTTGTGCCACCTGCTCTGGA[G>A]AAGAAGTACCAGCTGAACCTGCCACCCTACCCTGACACCGAGTGTGTCTATCGTCTGCAG-3'
Protein context (NP_658985.2, residues 258-278): LGGRFVPPAL[Glu268=]KKYQLNLPPY

ClinVar aggregate classification (germline): Benign. Review status: criteria provided, multiple submitters, no conflicts (2 of 4 stars). 5 submissions from 5 submitters: Benign (5). Last evaluated 2026-02-03.

Conditions:
Encephalopathy, progressive, early-onset, with brain edema and/or leukoencephalopathy, 1 (PEBEL1). Also called: NAD(P)HX epimerase deficiency. Identifiers: Orphanet 555407, MedGen C4310675, MONDO:0020781, OMIM 617186.

Allele frequency attached by ClinVar (database versions not stated): 1000 Genomes Project 0.92851; TOPMed 0.93248; gnomAD exomes 0.95798 and 0.96627; 1000 Genomes Project 30x 0.92645; ExAC 0.95515; ESP Exome Variant Server 0.93180; gnomAD 0.93597 and 0.93461.
gnomAD v4.1: 1,554,550 of 1,614,044 alleles (96%); highest among the groups gnomAD compares: East Asian, 98%; 749,300 homozygotes.

Submissions (5):

Labcorp Genetics (formerly Invitae), Labcorp
Classification: Benign. Last evaluated: 2026-02-03. Review status: criteria provided, single submitter. Criteria: Invitae Variant Classification Sherloc (09022015). Collection method: clinical testing. Allele origin: germline.

Molecular Genetics, Royal Melbourne Hospital
Classification: Benign for Encephalopathy, progressive, early-onset, with brain edema and/or leukoencephalopathy, 1. Last evaluated: 2021-10-04. Review status: criteria provided, single submitter. Criteria: ACMG Guidelines, 2015. Collection method: clinical testing. Allele origin: germline. Affected: no.
Comment: Population allele frequency is 96% (rs6668178, 264,890/277,168 alleles in gnomAD v2.0.2). Based on the classification scheme RMH ACMG Guidelines v1.1.1, this variant is classified as Benign. Following criteria met: BA1

Genome-Nilou Lab
Classification: Benign for Encephalopathy, progressive, early-onset, with brain edema and/or leukoencephalopathy, 1. Last evaluated: 2021-07-14. Review status: criteria provided, single submitter. Criteria: ACMG Guidelines, 2015. Collection method: clinical testing. Allele origin: germline. Affected: no.

GeneDx
Classification: Benign. Last evaluated: 2019-02-01. Review status: criteria provided, single submitter. Criteria: GeneDx Variant Classification Process June 2021. Collection method: clinical testing. Allele origin: germline. Affected: yes.

Breakthrough Genomics
Classification: Benign. Review status: criteria provided, single submitter. Criteria: ACMG Guidelines, 2015. Collection method: not provided. Allele origin: germline. Inheritance: Autosomal recessive inheritance. Affected: yes.